The following is an entry in ClinVar:

NM_000157.4(GBA1):c.715C>T (p.Gln239Ter)

Genes: GBA1 (glucosylceramidase beta 1; minus strand), LOC106627981 (GBA recombination region; plus strand). Cytogenetic location: 1q22.
Variant type: single nucleotide variant.
Coding change: c.715C>T on transcript NM_000157.4 (MANE Select); coding-DNA position 715, C replaced by T.
Protein change: p.Gln239Ter; replaces glutamine 239 with a stop codon.
Molecular consequence: nonsense.
Genome position (GRCh38, 1-based): chr1:155,238,180, G>A on the plus strand (C>T on the coding strand, the complement: GBA1 is on the minus strand). VCF-style: chr1-155238180-G-A. GRCh37 (hg19) VCF-style: chr1-155207971-G-A.
Other names: c.715C>T, p.Gln239Ter (NM_001005741.3, NM_001005742.3); c.454C>T, p.Gln152Ter (NM_001171811.2); c.568C>T, p.Gln190Ter (NM_001171812.2); short protein forms Q152*, Q190*, Q239*.
Identifiers: ClinVar variation 4817797 (VCV004817797.1).
Genomic context (GRCh38, chr1:155,238,180, plus strand): 5'-TGCTGATCCCTTACTTCACAAAGTATCTGGCCCAGGTCTGGTGGTAGATGTCTCCGGGCT[G>A]TCCCTTGAGTGACCCCTTCCCATTCACCGCTCCATTGGTCTTGAGCCAAGTGGGTGATGT-3'

ClinVar aggregate classification (germline): Likely pathogenic (1 of 4 stars; one submission).

Conditions:
Gaucher disease. Also called: Acute cerebral Gaucher disease; Cerebroside lipidosis syndrome; Gaucher splenomegaly; Sphingolipidosis 1; Glucocerebrosidosis; Glucosylceramidase deficiency. Identifiers: Orphanet 355, MedGen C0017205, MONDO:0018150.

Submission:

Natera, Inc.
Classification: Likely pathogenic for Gaucher disease. Last evaluated: 2025-12-11. Review status: criteria provided, single submitter. Criteria: Natera Variant Classification Schema (03/2026). Collection method: clinical testing. Allele origin: germline.
Comment: The c.715C>T variant in GBA1 is a nonsense variant predicted to introduce a stop codon at amino acid 239. This variant is expected to result in nonsense mediated decay, truncation, or a dysfunctional protein product. This variant is rare in the general population with a frequency below the threshold expected for the associated phenotype(s). Given the available evidence, this variant is classified as Likely Pathogenic.